The following is an entry in ClinVar:

NM_007254.4(PNKP):c.221C>A (p.Thr74Asn)

Gene: PNKP (polynucleotide kinase 3'-phosphatase; minus strand). Cytogenetic location: 19q13.33.
Variant type: single nucleotide variant.
Coding change: c.221C>A on transcript NM_007254.4 (MANE Select); coding-DNA position 221, C replaced by A.
Protein change: p.Thr74Asn; replaces threonine 74 with asparagine.
Molecular consequence: missense variant.
Genome position (GRCh38, 1-based): chr19:49,865,404, G>T on the plus strand (C>A on the coding strand, the complement: PNKP is on the minus strand). VCF-style: chr19-49865404-G-T. GRCh37 (hg19) VCF-style: chr19-50368661-G-T.
Other names: short protein forms T74N.
Identifiers: ClinVar variation 1307247 (VCV001307247.2), dbSNP rs2122339313, ClinGen allele CA406891329.

ClinVar aggregate classification (germline): Uncertain significance (1 of 4 stars; one submission).

Submission:

GeneDx
Classification: Uncertain significance. Last evaluated: 2019-07-24. Review status: criteria provided, single submitter. Criteria: GeneDx Variant Classification Process June 2021. Collection method: clinical testing. Allele origin: germline. Affected: yes.
Comment: Not observed in large population cohorts (Lek et al., 2016); In silico analysis, which includes protein predictors and evolutionary conservation, supports that this variant does not alter protein structure/function; Has not been previously published as pathogenic or benign to our knowledge